The following is an entry in ClinVar:

ClinVar aggregate classification (germline): Uncertain significance (1 of 4 stars; one submission).

Conditions:
Inborn genetic diseases. Identifiers: MedGen C0950123, MeSH D030342.

Submission:

Ambry Genetics
Classification: Uncertain significance for Inborn genetic diseases. Last evaluated: 2025-03-05. Review status: criteria provided, single submitter. Criteria: Ambry Variant Classification Scheme 2023. Collection method: clinical testing. Allele origin: germline.
Comment: The p.M109I variant (also known as c.327G>C), located in coding exon 3 of the PAX5 gene, results from a G to C substitution at nucleotide position 327. The methionine at codon 109 is replaced by isoleucine, an amino acid with highly similar properties. This amino acid position is conserved. In addition, the in silico prediction for this alteration is inconclusive. Based on the available evidence, the clinical significance of this variant remains unclear.

NM_016734.3(PAX5):c.327G>C (p.Met109Ile)

Gene: PAX5 (paired box 5; minus strand). Cytogenetic location: 9p13.2.
Variant type: single nucleotide variant.
Coding change: c.327G>C on transcript NM_016734.3 (MANE Select); coding-DNA position 327, G replaced by C.
Protein change: p.Met109Ile; replaces methionine 109 with isoleucine.
Molecular consequence: missense variant. On other transcripts: initiator codon variant (2), non-coding transcript variant (2), intron variant (1).
Genome position (GRCh38, 1-based): chr9:37,015,080, C>G on the plus strand (G>C on the coding strand, the complement: PAX5 is on the minus strand). VCF-style: chr9-37015080-C-G. GRCh37 (hg19) VCF-style: chr9-37015077-C-G.
Other names: c.327G>C, p.Met109Ile (NM_001280547.2, NM_001280548.2, NM_001280549.2 and 4 more transcripts); c.3G>C, p.Met1Ile (NM_001280551.2, NM_001280556.2); c.212+5556G>C (NM_001280555.2); short protein forms M1I, M109I.
Identifiers: ClinVar variation 3885975 (VCV003885975.1).